The following is an entry in ClinVar:

ClinVar aggregate classification (germline): Benign/Likely benign. Review status: criteria provided, multiple submitters, no conflicts (2 of 4 stars). 3 submissions from 3 submitters: Benign (1); Likely benign (2). Last evaluated 2026-01-14.

Conditions:
Hereditary cancer-predisposing syndrome. Also called: Hereditary Cancer Syndrome; Neoplastic Syndromes, Hereditary; Hereditary neoplastic syndrome; Tumor predisposition. Identifiers: Orphanet 140162, MedGen C0027672, MeSH D009386, MONDO:0015356.
Hereditary diffuse gastric adenocarcinoma (HDGC). Also called: DIFFUSE GASTRIC AND LOBULAR BREAST CANCER SYNDROME. Identifiers: Orphanet 26106, MedGen C1708349, MONDO:0007648, OMIM 137215.

Allele frequency attached by ClinVar (database versions not stated): gnomAD exomes below 0.00001.
gnomAD v4.1: 1 of 1,613,724 alleles (0.000062%); highest among the groups gnomAD compares: Non-Finnish European, 0.000085%; no homozygotes.

Submissions (3):

Labcorp Genetics (formerly Invitae), Labcorp
Classification: Likely benign. Last evaluated: 2026-01-14. Review status: criteria provided, single submitter. Criteria: Invitae Variant Classification Sherloc (09022015). Collection method: clinical testing. Allele origin: germline.

Myriad Genetics, Inc.
Classification: Benign for Hereditary diffuse gastric adenocarcinoma. Last evaluated: 2024-10-10. Review status: criteria provided, single submitter. Criteria: Myriad Autosomal Dominant, Autosomal Recessive and X-Linked Classification Criteria (2023). Collection method: clinical testing. Allele origin: unknown.
Comment: This variant is considered benign. This variant is a silent/synonymous amino acid change and it is not expected to impact splicing.

Ambry Genetics
Classification: Likely benign for Hereditary cancer-predisposing syndrome. Last evaluated: 2022-01-08. Review status: criteria provided, single submitter. Criteria: Ambry Variant Classification Scheme 2023. Collection method: clinical testing. Allele origin: germline.

NM_001903.5(CTNNA1):c.537C>T (p.Ala179=)

Gene: CTNNA1 (catenin alpha 1; plus strand). Cytogenetic location: 5q31.2.
Variant type: single nucleotide variant.
Coding change: c.537C>T on transcript NM_001903.5 (MANE Select); coding-DNA position 537, C replaced by T.
Protein change: p.Ala179=; no amino-acid change (alanine 179 retained).
Molecular consequence: synonymous variant.
Genome position (GRCh38, 1-based): chr5:138,812,251, C>T. VCF-style: chr5-138812251-C-T. GRCh37 (hg19) VCF-style: chr5-138147940-C-T.
Other names: c.537C>T, p.Ala179= (NM_001290307.3, NM_001323982.2, NM_001323983.1 and 3 more transcripts); c.228C>T, p.Ala76= (NM_001290309.3); c.168C>T, p.Ala56= (NM_001290310.3).
Identifiers: ClinVar variation 1651644 (VCV001651644.11), dbSNP rs1367817671, ClinGen allele CA446591407.